The following is an entry in ClinVar:

ClinVar aggregate classification (germline): Conflicting classifications of pathogenicity. Review status: criteria provided, conflicting classifications (1 of 4 stars). 4 submissions from 4 submitters: Uncertain significance (1); Likely benign (2). 1 of the submissions does not count toward it. Last evaluated 2026-01-14.

Conditions:
Familial hypoparathyroidism. Also called: Familial isolated hypoparathyroidism. Identifiers: Orphanet 2238, MedGen C1832648, MONDO:0016390.
GCM2-related disorder. Also called: GCM2-related condition.

Allele frequency attached by ClinVar (database versions not stated): 1000 Genomes Project 30x 0.00078; 1000 Genomes Project 0.00080; ExAC 0.00124; gnomAD exomes 0.00136 and 0.00259; gnomAD 0.00159 and 0.00161; TOPMed 0.00172; ESP Exome Variant Server 0.00208.
gnomAD v4.1: 3,848 of 1,556,892 alleles (0.25%); highest among the groups gnomAD compares: Non-Finnish European, 0.32%; 4 homozygotes.

Submissions (4):

Labcorp Genetics (formerly Invitae), Labcorp
Classification: Likely benign. Last evaluated: 2026-01-14. Review status: criteria provided, single submitter. Criteria: Invitae Variant Classification Sherloc (09022015). Collection method: clinical testing. Allele origin: germline.

Blueprint Genetics
Classification: Likely benign. Last evaluated: 2024-11-05. Review status: criteria provided, single submitter. Criteria: ACMG Guidelines, 2015. Collection method: clinical testing. Allele origin: germline.

Illumina Laboratory Services, Illumina
Classification: Uncertain significance for Hypoparathyroidism, familial isolated 1. Last evaluated: 2018-01-13. Review status: criteria provided, single submitter. Criteria: ICSL Variant Classification Criteria 13 December 2019. Collection method: clinical testing. Allele origin: germline.

PreventionGenetics, part of Exact Sciences
Classification: Likely benign for GCM2-related condition. Last evaluated: 2024-07-13. Review status: no assertion criteria provided. Collection method: clinical testing. Allele origin: germline. Not counted in ClinVar's aggregate classification.
Comment: This variant is classified as likely benign based on ACMG/AMP sequence variant interpretation guidelines (Richards et al. 2015 PMID: 25741868, with internal and published modifications).

NM_004752.4(GCM2):c.344-7T>C

Gene: GCM2 (GCM transcription factor 2; minus strand). Cytogenetic location: 6p24.2.
Variant type: single nucleotide variant.
Coding change: c.344-7T>C on transcript NM_004752.4 (MANE Select); 7 bases into the intron before coding-DNA position 344, T replaced by C.
Molecular consequence: intron variant.
Genome position (GRCh38, 1-based): chr6:10,876,564, A>G on the plus strand (T>C on the coding strand, the complement: GCM2 is on the minus strand). VCF-style: chr6-10876564-A-G. GRCh37 (hg19) VCF-style: chr6-10876797-A-G.
Identifiers: ClinVar variation 355016 (VCV000355016.15), dbSNP rs184620420, ClinGen allele CA3634096.